The following is an entry in ClinVar:

NM_020297.4(ABCC9):c.1252G>A (p.Ala418Thr)

Gene: ABCC9 (ATP binding cassette subfamily C member 9; minus strand). Cytogenetic location: 12p12.1.
Variant type: single nucleotide variant.
Coding change: c.1252G>A on transcript NM_020297.4 (MANE Select); coding-DNA position 1252, G replaced by A.
Protein change: p.Ala418Thr; replaces alanine 418 with threonine.
Molecular consequence: missense variant.
Genome position (GRCh38, 1-based): chr12:21,910,225, C>T on the plus strand (G>A on the coding strand, the complement: ABCC9 is on the minus strand). VCF-style: chr12-21910225-C-T. GRCh37 (hg19) VCF-style: chr12-22063159-C-T.
Other names: p.A418T:GCC>ACC; c.1252G>A, p.Ala418Thr (NM_001377273.1, NM_005691.4); c.388G>A, p.Ala130Thr (NM_001377274.1); short protein forms A418T, A130T.
Identifiers: ClinVar variation 201614 (VCV000201614.6), dbSNP rs781206225, ClinGen allele CA308175.
Genomic context (GRCh38, chr12:21,910,225, plus strand): 5'-GCATAGCCCATAGATTGGGACACAGGAACAAAAACCACATGAGTTGATTAGTTTCAATGG[C>T]GACTAAGTTGTTGATCTGCCCCAGAGTCATCTCCCCCATGGATAAGTTAGACGTAGAGAG-3'
Protein context (NP_064693.2, residues 408-428): MTLGQINNLV[Ala418Thr]IETNQLMWFL

ClinVar aggregate classification (germline): Uncertain significance. Review status: criteria provided, multiple submitters, no conflicts (2 of 4 stars). 2 submissions from 2 submitters: Uncertain significance (2). Last evaluated 2025-02-17.

Conditions:
Dilated cardiomyopathy 1O (CMD1O). Also called: CARDIOMYOPATHY, DILATED, WITH VENTRICULAR TACHYCARDIA. Identifiers: Orphanet 154, MedGen C1837839, MONDO:0012062, OMIM 608569.

Allele frequency attached by ClinVar (database versions not stated): TOPMed below 0.00001; ExAC 0.00002; gnomAD exomes below 0.00001 and 0.00001.
gnomAD v4.1: 1 of 1,610,744 alleles (0.000062%); highest among the groups gnomAD compares: Non-Finnish European, 0.000085%; no homozygotes.

Submissions (2):

Labcorp Genetics (formerly Invitae), Labcorp
Classification: Uncertain significance for Dilated cardiomyopathy 1O. Last evaluated: 2025-02-17. Review status: criteria provided, single submitter. Criteria: Invitae Variant Classification Sherloc (09022015). Collection method: clinical testing. Allele origin: germline.
Comment: This sequence change replaces alanine, which is neutral and non-polar, with threonine, which is neutral and polar, at codon 418 of the ABCC9 protein (p.Ala418Thr). The frequency data for this variant in the population databases is considered unreliable, as metrics indicate poor data quality at this position in the gnomAD database. This variant has not been reported in the literature in individuals affected with ABCC9-related conditions. ClinVar contains an entry for this variant (Variation ID: 201614). Invitae Evidence Modeling of protein sequence and biophysical properties (such as structural, functional, and spatial information, amino acid conservation, physicochemical variation, residue mobility, and thermodynamic stability) has been performed for this missense variant. However, the output from this modeling did not meet the statistical confidence thresholds required to predict the impact of this variant on ABCC9 protein function. In summary, the available evidence is currently insufficient to determine the role of this variant in disease. Therefore, it has been classified as a Variant of Uncertain Significance.

GeneDx
Classification: Uncertain significance. Last evaluated: 2019-11-07. Review status: criteria provided, single submitter. Criteria: GeneDx Variant Classification Process June 2021. Collection method: clinical testing. Allele origin: germline. Affected: yes.
Comment: Has not been previously published as pathogenic or benign to our knowledge; Not observed at a significant frequency in large population cohorts (Lek et al., 2016); In silico analysis, which includes protein predictors and evolutionary conservation, supports that this variant does not alter protein structure/function